The following is an entry in ClinVar:

NM_001376.5(DYNC1H1):c.11743G>A (p.Val3915Ile)

Gene: DYNC1H1 (dynein cytoplasmic 1 heavy chain 1; plus strand). Cytogenetic location: 14q32.31.
Variant type: single nucleotide variant.
Coding change: c.11743G>A on transcript NM_001376.5 (MANE Select); coding-DNA position 11743, G replaced by A.
Protein change: p.Val3915Ile; replaces valine 3915 with isoleucine.
Molecular consequence: missense variant.
Genome position (GRCh38, 1-based): chr14:102,040,288, G>A. VCF-style: chr14-102040288-G-A. GRCh37 (hg19) VCF-style: chr14-102506625-G-A.
Other names: short protein forms V3915I.
Identifiers: ClinVar variation 2748105 (VCV002748105.3), dbSNP rs2048631569, ClinGen allele CA391036578.

ClinVar aggregate classification (germline): Uncertain significance (1 of 4 stars; one submission).

Conditions:
Charcot-Marie-Tooth disease axonal type 2O. Also called: CHARCOT-MARIE-TOOTH NEUROPATHY, AXONAL, TYPE 2O; CHARCOT-MARIE-TOOTH DISEASE, AXONAL, AUTOSOMAL DOMINANT, TYPE 2O; Charcot-Marie-Tooth Neuropathy Type 2O; Charcot-Marie-Tooth disease, axonal, type 20. Identifiers: Orphanet 284232, MedGen C3280220, MONDO:0013644, OMIM 614228.

Submission:

Labcorp Genetics (formerly Invitae), Labcorp
Classification: Uncertain significance for Charcot-Marie-Tooth disease axonal type 2O. Last evaluated: 2023-07-29. Review status: criteria provided, single submitter. Criteria: Invitae Variant Classification Sherloc (09022015). Collection method: clinical testing. Allele origin: germline.
Comment: This sequence change replaces valine, which is neutral and non-polar, with isoleucine, which is neutral and non-polar, at codon 3915 of the DYNC1H1 protein (p.Val3915Ile). In summary, the available evidence is currently insufficient to determine the role of this variant in disease. Therefore, it has been classified as a Variant of Uncertain Significance. Advanced modeling of protein sequence and biophysical properties (such as structural, functional, and spatial information, amino acid conservation, physicochemical variation, residue mobility, and thermodynamic stability) performed at Invitae indicates that this missense variant is not expected to disrupt DYNC1H1 protein function. This variant has not been reported in the literature in individuals affected with DYNC1H1-related conditions. This variant is not present in population databases (gnomAD no frequency).